The following is an entry in ClinVar:

ClinVar aggregate classification (germline): Uncertain significance (1 of 4 stars; one submission).

Conditions:
Inborn genetic diseases. Identifiers: MedGen C0950123, MeSH D030342.

Allele frequency attached by ClinVar (database versions not stated): ExAC 0.00001.
gnomAD v4.1: 7 of 1,612,582 alleles (0.00043%); highest among the groups gnomAD compares: Admixed American, 0.0033%; no homozygotes.

Submission:

Ambry Genetics
Classification: Uncertain significance for Inborn genetic diseases. Last evaluated: 2021-01-13. Review status: criteria provided, single submitter. Criteria: Ambry Variant Classification Scheme 2023. Collection method: clinical testing. Allele origin: germline.
Comment: The p.A524G variant (also known as c.1571C>G), located in coding exon 11 of the IGHMBP2 gene, results from a C to G substitution at nucleotide position 1571. The alanine at codon 524 is replaced by glycine, an amino acid with similar properties. This amino acid position is highly conserved in available vertebrate species. In addition, the in silico prediction for this alteration is inconclusive. Since supporting evidence is limited at this time, the clinical significance of this alteration remains unclear.

NM_002180.3(IGHMBP2):c.1571C>G (p.Ala524Gly)

Genes: IGHMBP2 (immunoglobulin mu DNA binding protein 2; plus strand), LOC126861245 (CDK7 strongly-dependent group 2 enhancer GRCh37_chr11:68701479-68702678; plus strand). Cytogenetic location: 11q13.3.
Variant type: single nucleotide variant.
Coding change: c.1571C>G on transcript NM_002180.3 (MANE Select); coding-DNA position 1571, C replaced by G.
Protein change: p.Ala524Gly; replaces alanine 524 with glycine.
Molecular consequence: missense variant.
Genome position (GRCh38, 1-based): chr11:68,934,497, C>G. VCF-style: chr11-68934497-C-G. GRCh37 (hg19) VCF-style: chr11-68701965-C-G.
Other names: short protein forms A524G.
Identifiers: ClinVar variation 1775513 (VCV001775513.2), dbSNP rs765910967, ClinGen allele CA6153707.